The following is an entry in ClinVar:

ClinVar aggregate classification (germline): Uncertain significance. Review status: criteria provided, multiple submitters, no conflicts (2 of 4 stars). 2 submissions from 2 submitters: Uncertain significance (2). Last evaluated 2025-10-29.

Conditions:
Inborn genetic diseases. Identifiers: MedGen C0950123, MeSH D030342.
Severe combined immunodeficiency due to DCLRE1C deficiency (RS-SCID). Also called: SCID, AUTOSOMAL RECESSIVE, T CELL-NEGATIVE, B CELL-NEGATIVE, NK CELL-POSITIVE, WITH SENSITIVITY TO IONIZING RADIATION. Identifiers: Orphanet 275, MedGen C1865371, MONDO:0011225, OMIM 602450.

Allele frequency attached by ClinVar (database versions not stated): TOPMed 0.00002.
gnomAD v4.1: 7 of 1,614,016 alleles (0.00043%); highest among the groups gnomAD compares: Admixed American, 0.0017%; no homozygotes.

Submissions (2):

Ambry Genetics
Classification: Uncertain significance for Inborn genetic diseases. Last evaluated: 2025-10-29. Review status: criteria provided, single submitter. Criteria: Ambry Variant Classification Scheme 2023. Collection method: clinical testing. Allele origin: germline.

Labcorp Genetics (formerly Invitae), Labcorp
Classification: Uncertain significance for Athabaskan severe combined immunodeficiency. Last evaluated: 2022-02-20. Review status: criteria provided, single submitter. Criteria: Invitae Variant Classification Sherloc (09022015). Collection method: clinical testing. Allele origin: germline.
Comment: This sequence change replaces proline, which is neutral and non-polar, with serine, which is neutral and polar, at codon 616 of the DCLRE1C protein (p.Pro616Ser). This variant is not present in population databases (gnomAD no frequency). This variant has not been reported in the literature in individuals affected with DCLRE1C-related conditions. Algorithms developed to predict the effect of missense changes on protein structure and function output the following: SIFT: "Tolerated"; PolyPhen-2: "Benign"; Align-GVGD: "Class C0". The serine amino acid residue is found in multiple mammalian species, which suggests that this missense change does not adversely affect protein function. In summary, the available evidence is currently insufficient to determine the role of this variant in disease. Therefore, it has been classified as a Variant of Uncertain Significance.

NM_001033855.3(DCLRE1C):c.1846C>T (p.Pro616Ser)

Gene: DCLRE1C (DNA cross-link repair 1C; minus strand). Cytogenetic location: 10p13.
Variant type: single nucleotide variant.
Coding change: c.1846C>T on transcript NM_001033855.3 (MANE Select); coding-DNA position 1846, C replaced by T.
Protein change: p.Pro616Ser; replaces proline 616 with serine.
Molecular consequence: missense variant. On other transcripts: non-coding transcript variant (3), intron variant (3).
Genome position (GRCh38, 1-based): chr10:14,908,641, G>A on the plus strand (C>T on the coding strand, the complement: DCLRE1C is on the minus strand). VCF-style: chr10-14908641-G-A. GRCh37 (hg19) VCF-style: chr10-14950640-G-A.
Other names: c.1486C>T, p.Pro496Ser (NM_001033857.3, NM_001033858.3, NM_001289077.2 and 1 more transcripts); c.1501C>T, p.Pro501Ser (NM_001289076.2, NM_001289078.2, NM_022487.4); c.1437+64C>T (NM_001350966.2); c.1782+64C>T (NM_001350965.2); c.1422+64C>T (NM_001350967.2); short protein forms P616S, P496S, P501S.
Identifiers: ClinVar variation 2166445 (VCV002166445.4), dbSNP rs115066096, ClinGen allele CA376074431.
Genomic context (GRCh38, chr10:14,908,641, plus strand): 5'-AACTTTTTTCCTCGGGTATATGTGTCTCACTGCTTAGAGTAGTTGGTTCTCCAGTACTAG[G>A]AACTATTGTCACATCTTTATCTCTGCTTTTCAAATCAGAGTAAGTATCCTTTGGGCAAAT-3'
Protein context (NP_001029027.1, residues 606-626): KSRDKDVTIV[Pro616Ser]STGEPTTLSS